The following is an entry in ClinVar:

ClinVar aggregate classification (germline): Uncertain significance. Review status: criteria provided, single submitter (1 of 4 stars). 2 submissions from 2 submitters: Uncertain significance (1). 1 of the submissions does not count toward it. Last evaluated 2023-05-10.

Conditions:
Triosephosphate isomerase deficiency (TPID). Also called: Triose phosphate isomerase deficiency. Identifiers: Orphanet 868, MedGen C1860808, MONDO:0014221, OMIM 615512.

Allele frequency attached by ClinVar (database versions not stated): gnomAD 0.00001; gnomAD exomes 0.00001.
gnomAD v4.1: 12 of 1,614,218 alleles (0.00074%); highest among the groups gnomAD compares: African/African-American, 0.0013%; no homozygotes.

Submissions (2):

Revvity Omics, Revvity
Classification: Uncertain significance for Triosephosphate isomerase deficiency. Last evaluated: 2023-05-10. Review status: criteria provided, single submitter. Criteria: ACMG Guidelines, 2015. Collection method: clinical testing. Allele origin: germline.

Palladino Lab, Pittsburgh Institute for Neurodegenerative Disease
Classification: Pathogenic for Triosephosphate isomerase deficiency. Review status: no assertion criteria provided. Collection method: research, in vitro. Allele origin: maternal, not applicable. Inheritance: Autosomal recessive inheritance. Affected: yes. Observed: 1 compound heterozygote. Functional consequence: variation affecting protein structure. Not counted in ClinVar's aggregate classification.
Comment: TPI[E104D] is known to cause TPI deficiency in homozygous or compound heterozygous patients (PMID: 9338582), and here we have shown that R189 mutations alters the structure of the enzyme's catalytic site, and reduces protein levels in animal models and patient fibroblasts.

NM_000365.6(TPI1):c.569G>A (p.Arg190Gln)

Gene: TPI1 (triosephosphate isomerase 1; plus strand). Cytogenetic location: 12p13.31.
Variant type: single nucleotide variant.
Coding change: c.569G>A on transcript NM_000365.6 (MANE Select); coding-DNA position 569, G replaced by A.
Protein change: p.Arg190Gln; replaces arginine 190 with glutamine.
Molecular consequence: missense variant.
Genome position (GRCh38, 1-based): chr12:6,870,074, G>A. VCF-style: chr12-6870074-G-A. GRCh37 (hg19) VCF-style: chr12-6979238-G-A.
Other names: c.680G>A, p.Arg227Gln (NM_001159287.1); c.323G>A, p.Arg108Gln (NM_001258026.2); short protein forms R190Q, R227Q, R108Q.
Identifiers: ClinVar variation 627563 (VCV000627563.6), dbSNP rs1565538350, ClinGen allele CA383712843.